The following is an entry in ClinVar:

ClinVar aggregate classification (germline): Uncertain significance (1 of 4 stars; one submission).

gnomAD v4.1: 130 of 1,613,960 alleles (0.0081%); highest among the groups gnomAD compares: Non-Finnish European, 0.01%; no homozygotes.

Submission:

CeGaT Center for Human Genetics Tuebingen
Classification: Uncertain significance. Last evaluated: 2026-07-01. Review status: criteria provided, single submitter. Criteria: CeGaT Center For Human Genetics Tuebingen Variant Classification Criteria Version 2. Collection method: clinical testing. Allele origin: germline. Affected: yes. Observed: 1 variant allele.
Comment: MCM8: PM2, BP4

NM_032485.6(MCM8):c.109A>G (p.Arg37Gly)

Gene: MCM8 (minichromosome maintenance 8 homologous recombination repair factor; plus strand). Cytogenetic location: 20p12.3.
Variant type: single nucleotide variant.
Coding change: c.109A>G on transcript NM_032485.6 (MANE Select); coding-DNA position 109, A replaced by G.
Protein change: p.Arg37Gly; replaces arginine 37 with glycine.
Molecular consequence: missense variant.
Genome position (GRCh38, 1-based): chr20:5,952,124, A>G. VCF-style: chr20-5952124-A-G. GRCh37 (hg19) VCF-style: chr20-5932770-A-G.
Other names: c.109A>G, p.Arg37Gly (NM_001281520.2, NM_001281521.2, NM_001281522.2 and 1 more transcripts); short protein forms R37G.
Identifiers: ClinVar variation 5038547 (VCV005038547.1).